The following is an entry in ClinVar:

NM_005883.3(APC2):c.1521+4C>T

Gene: APC2 (APC regulator of Wnt signaling pathway 2; plus strand). Cytogenetic location: 19p13.3.
Variant type: single nucleotide variant.
Coding change: c.1521+4C>T on transcript NM_005883.3 (MANE Select); 4 bases into the intron after coding-DNA position 1521, C replaced by T.
Molecular consequence: intron variant.
Genome position (GRCh38, 1-based): chr19:1,460,861, C>T. VCF-style: chr19-1460861-C-T. GRCh37 (hg19) VCF-style: chr19-1460860-C-T.
Other names: c.1518+4C>T (NM_001351273.1).
Identifiers: ClinVar variation 2863541 (VCV002863541.3), dbSNP rs184260019, ClinGen allele CA2576549832.
Genomic context (GRCh38, chr19:1,460,861, plus strand): 5'-GGCTGCATGGAGGCCATCGTGGCCCAGCTGGCCTCCGACAGTGAGGAGCTCCACCAGGTA[C>T]AGGGCGGGGTGCTGGGAAAGCCTTCCAGGGTGTCCCTGATAGGCAGAGGCCCCTCCCCAG-3'

ClinVar aggregate classification (germline): Uncertain significance (1 of 4 stars; one submission).

gnomAD v4.1: 2 of 1,613,224 alleles (0.00012%); highest among the groups gnomAD compares: Non-Finnish European, 0.00017%; no homozygotes.

Submission:

Labcorp Genetics (formerly Invitae), Labcorp
Classification: Uncertain significance. Last evaluated: 2024-10-07. Review status: criteria provided, single submitter. Criteria: Invitae Variant Classification Sherloc (09022015). Collection method: clinical testing. Allele origin: germline.
Comment: This sequence change falls in intron 12 of the APC2 gene. It does not directly change the encoded amino acid sequence of the APC2 protein. It affects a nucleotide within the consensus splice site. This variant is not present in population databases (gnomAD no frequency). This variant has not been reported in the literature in individuals affected with APC2-related conditions. Variants that disrupt the consensus splice site are a relatively common cause of aberrant splicing (PMID: 17576681, 9536098). Algorithms developed to predict the effect of sequence changes on RNA splicing suggest that this variant is not likely to affect RNA splicing. In summary, the available evidence is currently insufficient to determine the role of this variant in disease. Therefore, it has been classified as a Variant of Uncertain Significance.

Literature cited by the submitters: PubMed 17576681; PubMed 9536098.